The following is an entry in ClinVar:

NM_020778.5(ALPK3):c.3130C>G (p.Leu1044Val)

Gene: ALPK3 (alpha kinase 3; plus strand). Cytogenetic location: 15q25.3.
Variant type: single nucleotide variant.
Coding change: c.3130C>G on transcript NM_020778.5 (MANE Select); coding-DNA position 3130, C replaced by G.
Protein change: p.Leu1044Val; replaces leucine 1044 with valine.
Molecular consequence: missense variant.
Genome position (GRCh38, 1-based): chr15:84,857,868, C>G. VCF-style: chr15-84857868-C-G. GRCh37 (hg19) VCF-style: chr15-85401099-C-G.
Other names: short protein forms L1044V.
Identifiers: ClinVar variation 4742591 (VCV004742591.1).
Genomic context (GRCh38, chr15:84,857,868, plus strand): 5'-GTGCAGAGTGCACAGACCCTGCTGCTGAGCCCCTGTACCTCCCGCCGCCTCACCGGCCTC[C>G]TGGACCGTGAGGTGCAGGCTGGCCGCCAGGCCCTTGCTGCTGCCCGAGGCTCCTGGGGTC-3'
Protein context (NP_065829.4, residues 1034-1054): PCTSRRLTGL[Leu1044Val]DREVQAGRQA

ClinVar aggregate classification (germline): Uncertain significance (1 of 4 stars; one submission).

Submission:

Labcorp Genetics (formerly Invitae), Labcorp
Classification: Uncertain significance. Last evaluated: 2026-01-31. Review status: criteria provided, single submitter. Criteria: Invitae Variant Classification Sherloc (09022015). Collection method: clinical testing. Allele origin: germline.
Comment: This sequence change replaces leucine, which is neutral and non-polar, with valine, which is neutral and non-polar, at codon 1246 of the ALPK3 protein (p.Leu1246Val). This variant is not present in population databases (gnomAD no frequency). This variant has not been reported in the literature in individuals affected with ALPK3-related conditions. Invitae Evidence Modeling of protein sequence and biophysical properties (such as structural, functional, and spatial information, amino acid conservation, physicochemical variation, residue mobility, and thermodynamic stability) indicates that this missense variant is expected to disrupt ALPK3 protein function with a positive predictive value of 80%. In summary, the available evidence is currently insufficient to determine the role of this variant in disease. Therefore, it has been classified as a Variant of Uncertain Significance.